The following is an entry in ClinVar:

ClinVar aggregate classification (germline): Benign/Likely benign. Review status: criteria provided, multiple submitters, no conflicts (2 of 4 stars). 2 submissions from 2 submitters: Benign (1); Likely benign (1). Last evaluated 2025-11-22.

Conditions:
PCGF2-related disorder. Also called: PCGF2-related condition.

Allele frequency attached by ClinVar (database versions not stated): gnomAD 0.00004 and 0.00008; gnomAD exomes 0.00006 and 0.00023; TOPMed 0.00014; ExAC 0.00023; 1000 Genomes Project 30x 0.00078; 1000 Genomes Project 0.00080.
gnomAD v4.1: 96 of 1,586,332 alleles (0.0061%); highest among the groups gnomAD compares: East Asian, 0.21%; no homozygotes.

Submissions (2):

PreventionGenetics, part of Exact Sciences
Classification: Likely benign for PCGF2-related condition. Last evaluated: 2025-11-22. Review status: criteria provided, single submitter. Criteria: ACMG Guidelines, 2015. Collection method: clinical testing. Allele origin: germline.
Comment: This variant is classified as likely benign based on ACMG/AMP sequence variant interpretation guidelines (Richards et al. 2015 PMID: 25741868, with internal and published modifications).

Labcorp Genetics (formerly Invitae), Labcorp
Classification: Benign. Last evaluated: 2023-11-27. Review status: criteria provided, single submitter. Criteria: Invitae Variant Classification Sherloc (09022015). Collection method: clinical testing. Allele origin: germline.

NM_007144.3(PCGF2):c.706C>T (p.Leu236Phe)

Genes: CISD3 (CDGSH iron sulfur domain 3; plus strand), PCGF2 (polycomb group ring finger 2; minus strand). Cytogenetic location: 17q12.
Variant type: single nucleotide variant.
Coding change: c.706C>T on transcript NM_007144.3 (MANE Select); coding-DNA position 706, C replaced by T.
Protein change: p.Leu236Phe; replaces leucine 236 with phenylalanine.
Molecular consequence: missense variant. On other transcripts: 3 prime UTR variant (1).
Genome position (GRCh38, 1-based): chr17:38,735,552, G>A on the plus strand (C>T on the coding strand, the complement: PCGF2 is on the minus strand). VCF-style: chr17-38735552-G-A. GRCh37 (hg19) VCF-style: chr17-36891805-G-A.
Other names: c.706C>T (NM_007144.2); c.*2097G>A (NM_001136498.2); c.706C>T, p.Leu236Phe (NM_001369614.1, NM_001369615.1); short protein forms L236F.
Identifiers: ClinVar variation 1376316 (VCV001376316.7), dbSNP rs189346950, ClinGen allele CA8524881.